The following is an entry in ClinVar:

ClinVar aggregate classification (germline): Uncertain significance. Review status: criteria provided, multiple submitters, no conflicts (2 of 4 stars). 4 submissions from 4 submitters: Uncertain significance (4). Last evaluated 2025-11-20.

Conditions:
Hereditary cancer-predisposing syndrome. Also called: Neoplastic Syndromes, Hereditary; Hereditary neoplastic syndrome; Tumor predisposition; Hereditary Cancer Syndrome. Identifiers: Orphanet 140162, MedGen C0027672, MeSH D009386, MONDO:0015356.
Familial adenomatous polyposis 3. Also called: NTHL1-related attenuated familial adenomatous polyposis; NTHL1-Related Adenomatous Polyposis and Colorectal Cancer; NTHL1-associated polyposis; NTHL1 Tumor Syndrome. Identifiers: Orphanet 220460, Orphanet 454840, MedGen C4225157, MONDO:0014630, OMIM 616415.

Allele frequency attached by ClinVar (database versions not stated): TOPMed below 0.00001.

Submissions (4):

Labcorp Genetics (formerly Invitae), Labcorp
Classification: Uncertain significance. Last evaluated: 2025-11-20. Review status: criteria provided, single submitter. Criteria: Invitae Variant Classification Sherloc (09022015). Collection method: clinical testing. Allele origin: germline.
Comment: This sequence change replaces glutamic acid, which is acidic and polar, with valine, which is neutral and non-polar, at codon 6 of the NTHL1 protein (p.Glu6Val). This variant is not present in population databases (gnomAD no frequency). This variant has not been reported in the literature in individuals affected with NTHL1-related conditions. ClinVar contains an entry for this variant (Variation ID: 854992). An algorithm developed to predict the effect of missense changes on protein structure and function (PolyPhen-2) suggests that this variant is likely to be tolerated. In summary, the available evidence is currently insufficient to determine the role of this variant in disease. Therefore, it has been classified as a Variant of Uncertain Significance.

Ambry Genetics
Classification: Uncertain significance for Hereditary cancer-predisposing syndrome. Last evaluated: 2025-06-23. Review status: criteria provided, single submitter. Criteria: Ambry Variant Classification Scheme 2023. Collection method: clinical testing. Allele origin: germline.
Comment: The p.E6V variant (also known as c.17A>T), located in coding exon 1 of the NTHL1 gene, results from an A to T substitution at nucleotide position 17. The glutamic acid at codon 6 is replaced by valine, an amino acid with dissimilar properties. This amino acid position is conserved. In addition, this alteration is predicted to be tolerated by in silico analysis. Since supporting evidence is limited at this time, the clinical significance of this alteration remains unclear.

Fulgent Genetics
Classification: Uncertain significance for Familial adenomatous polyposis 3. Last evaluated: 2024-02-20. Review status: criteria provided, single submitter. Criteria: ACMG Guidelines, 2015. Collection method: clinical testing. Allele origin: germline.

Sema4
Classification: Uncertain significance for Hereditary cancer-predisposing syndrome. Last evaluated: 2022-02-05. Review status: criteria provided, single submitter. Criteria: Sema4 Curation Guidelines. Collection method: curation. Allele origin: germline.
Comment: The NTHL1 c.17A>T (p.E6V) variant has not been reported in the literature to our knowledge. It was not observed in the large and broad cohorts of the Genome Aggregation Database (PMID: 32461654). The variant has been reported in ClinVar (Variation ID 854992). In silico tools suggest the impact of the variant on protein function is benign, though these predictions have not been confirmed by functional studies. The evidence is insufficient to meet ACMG/AMP criteria for classifying the variant as benign or pathogenic. Thus, the clinical significance of this variant is currently uncertain.

NM_002528.7(NTHL1):c.-8A>T

Gene: NTHL1 (nth like DNA glycosylase 1; minus strand). Cytogenetic location: 16p13.3.
Variant type: single nucleotide variant.
Coding change: c.-8A>T on transcript NM_002528.7 (MANE Select); 8 bases upstream of the start codon, A replaced by T.
Molecular consequence: 5 prime UTR variant.
Genome position (GRCh38, 1-based): chr16:2,047,831, T>A on the plus strand (A>T on the coding strand, the complement: NTHL1 is on the minus strand). VCF-style: chr16-2047831-T-A. GRCh37 (hg19) VCF-style: chr16-2097832-T-A.
Other names: c.-8A>T (NM_001318193.2); c.-186A>T (NM_001318194.2).
Identifiers: ClinVar variation 854992 (VCV000854992.14), dbSNP rs566165031, ClinGen allele CA394298814.